The following is an entry in ClinVar:

ClinVar aggregate classification (germline): Benign/Likely benign. Review status: criteria provided, multiple submitters, no conflicts (2 of 4 stars). 2 submissions from 2 submitters: Benign (1); Likely benign (1). Last evaluated 2026-09-12.

Conditions:
CEP55-related disorder. Also called: CEP55-related condition.

gnomAD v4.1: 482 of 1,612,474 alleles (0.03%); highest among the groups gnomAD compares: African/African-American, 0.57%; no homozygotes.

Submissions (2):

PreventionGenetics, part of Exact Sciences
Classification: Likely benign for CEP55-related condition. Last evaluated: 2026-09-12. Review status: criteria provided, single submitter. Criteria: ACMG Guidelines, 2015. Collection method: clinical testing. Allele origin: germline.
Comment: This variant is classified as likely benign based on ACMG/AMP sequence variant interpretation guidelines (Richards et al. 2015 PMID: 25741868, with internal and published modifications).

Labcorp Genetics (formerly Invitae), Labcorp
Classification: Benign. Last evaluated: 2025-12-13. Review status: criteria provided, single submitter. Criteria: Invitae Variant Classification Sherloc (09022015). Collection method: clinical testing. Allele origin: germline.

NM_018131.5(CEP55):c.159T>C (p.Asp53=)

Gene: CEP55 (centrosomal protein 55; plus strand). Cytogenetic location: 10q23.33.
Variant type: single nucleotide variant.
Coding change: c.159T>C on transcript NM_018131.5 (MANE Select); coding-DNA position 159, T replaced by C.
Protein change: p.Asp53=; no amino-acid change (aspartic acid 53 retained).
Molecular consequence: synonymous variant.
Genome position (GRCh38, 1-based): chr10:93,500,210, T>C. VCF-style: chr10-93500210-T-C. GRCh37 (hg19) VCF-style: chr10-95259967-T-C.
Other names: c.159T>C (NM_001127182.1); c.159T>C, p.Asp53= (NM_001127182.2).
Identifiers: ClinVar variation 3665364 (VCV003665364.3).